The following is an entry in ClinVar:

NM_001011719.2(ARSH):c.1261G>A (p.Glu421Lys)

Gene: ARSH (arylsulfatase family member H; plus strand). Cytogenetic location: Xp22.33.
Variant type: single nucleotide variant.
Coding change: c.1261G>A on transcript NM_001011719.2 (MANE Select); coding-DNA position 1261, G replaced by A.
Protein change: p.Glu421Lys; replaces glutamic acid 421 with lysine.
Molecular consequence: missense variant.
Genome position (GRCh38, 1-based): chrX:3,029,308, G>A. VCF-style: chrX-3029308-G-A. GRCh37 (hg19) VCF-style: chrX-2947349-G-A.
Other names: short protein forms E421K.
Identifiers: ClinVar variation 4643201 (VCV004643201.1).

ClinVar aggregate classification (germline): Uncertain significance (1 of 4 stars; one submission).

Submission:

Ambry Genetics
Classification: Uncertain significance. Last evaluated: 2025-10-29. Review status: criteria provided, single submitter. Criteria: Ambry Variant Classification Scheme 2023. Collection method: clinical testing. Allele origin: germline.
Comment: The c.1261G>A (p.E421K) alteration is located in exon 8 (coding exon 8) of the ARSH gene. This alteration results from a G to A substitution at nucleotide position 1261, causing the glutamic acid (E) at amino acid position 421 to be replaced by a lysine (K). Based on data from gnomAD, the A allele has an overall frequency of <0.001% (1/183149) total alleles studied. The highest observed frequency was 0.004% (1/27338) of Latino alleles. Based on insufficient or conflicting evidence, the clinical significance of this alteration remains unclear.